The following is an entry in ClinVar:

NM_000038.6(APC):c.2277C>G (p.Ala759=)

Gene: APC (APC regulator of Wnt signaling pathway; plus strand). Cytogenetic location: 5q22.2.
Variant type: single nucleotide variant.
Coding change: c.2277C>G on transcript NM_000038.6 (MANE Select); coding-DNA position 2277, C replaced by G.
Protein change: p.Ala759=; no amino-acid change (alanine 759 retained).
Molecular consequence: synonymous variant.
Genome position (GRCh38, 1-based): chr5:112,837,871, C>G. VCF-style: chr5-112837871-C-G. GRCh37 (hg19) VCF-style: chr5-112173568-C-G.
Other names: c.1428C>G, p.Ala476= (NM_001354906.2); c.2277C>G, p.Ala759= (NM_001127510.3, NM_001354895.2); c.2223C>G, p.Ala741= (NM_001127511.3); c.2331C>G, p.Ala777= (NM_001354896.2); c.2307C>G, p.Ala769= (NM_001354897.2); c.2202C>G, p.Ala734= (NM_001354898.2); c.2193C>G, p.Ala731= (NM_001354899.2); c.2154C>G, p.Ala718= (NM_001354900.2); and 5 more.
Identifiers: ClinVar variation 757914 (VCV000757914.14), dbSNP rs762441650, ClinGen allele CA445963310.
Genomic context (GRCh38, chr5:112,837,871, plus strand): 5'-TGCCAATATTATGTCTCCTGGCTCAAGCTTGCCATCTCTTCATGTTAGGAAACAAAAAGC[C>G]CTAGAAGCAGAATTAGATGCTCAGCACTTATCAGAAACTTTTGACAATATAGACAATTTA-3'
Protein context (NP_000029.2, residues 749-769): LPSLHVRKQK[Ala759=]LEAELDAQHL

ClinVar aggregate classification (germline): Benign/Likely benign. Review status: criteria provided, multiple submitters, no conflicts (2 of 4 stars). 6 submissions from 6 submitters: Benign (1); Likely benign (5). Last evaluated 2026-07-01.

Conditions:
Familial adenomatous polyposis 1 (FAP1). Also called: POLYPOSIS, ADENOMATOUS INTESTINAL; FAMILIAL ADENOMATOUS POLYPOSIS 1, ATTENUATED. Identifiers: MedGen C2713442, MONDO:0021056, OMIM 175100. Disease mechanism: loss of function.
Hereditary cancer-predisposing syndrome. Also called: Hereditary neoplastic syndrome; Hereditary Cancer Syndrome; Neoplastic Syndromes, Hereditary; Tumor predisposition. Identifiers: Orphanet 140162, MedGen C0027672, MeSH D009386, MONDO:0015356.

Submissions (6):

CeGaT Center for Human Genetics Tuebingen
Classification: Likely benign. Last evaluated: 2026-07-01. Review status: criteria provided, single submitter. Criteria: CeGaT Center For Human Genetics Tuebingen Variant Classification Criteria Version 2. Collection method: clinical testing. Allele origin: germline. Affected: yes. Observed: 1 variant allele.
Comment: APC: PM2:Supporting, BP4, BP7

Labcorp Genetics (formerly Invitae), Labcorp
Classification: Likely benign for Familial adenomatous polyposis 1. Last evaluated: 2025-10-26. Review status: criteria provided, single submitter. Criteria: Invitae Variant Classification Sherloc (09022015). Collection method: clinical testing. Allele origin: germline.

Myriad Genetics, Inc.
Classification: Benign for Familial adenomatous polyposis 1. Last evaluated: 2024-03-11. Review status: criteria provided, single submitter. Criteria: Myriad Autosomal Dominant, Autosomal Recessive and X-Linked Classification Criteria (2023). Collection method: clinical testing. Allele origin: unknown.
Comment: This variant is considered benign. This variant is a silent/synonymous amino acid change and it is not expected to impact splicing.

Color Diagnostics, LLC DBA Color Health
Classification: Likely benign for Hereditary cancer-predisposing syndrome. Last evaluated: 2022-11-06. Review status: criteria provided, single submitter. Criteria: ACMG Guidelines, 2015. Collection method: clinical testing. Allele origin: germline.

Sema4
Classification: Likely benign for Hereditary cancer-predisposing syndrome. Last evaluated: 2021-11-17. Review status: criteria provided, single submitter. Criteria: Sema4 Curation Guidelines. Collection method: curation. Allele origin: germline.

Ambry Genetics
Classification: Likely benign for Hereditary cancer-predisposing syndrome. Last evaluated: 2015-12-09. Review status: criteria provided, single submitter. Criteria: Ambry Variant Classification Scheme 2023. Collection method: clinical testing. Allele origin: germline.